The following is an entry in ClinVar:

NM_002292.4(LAMB2):c.914T>C (p.Met305Thr)

Gene: LAMB2 (laminin subunit beta 2; minus strand). Cytogenetic location: 3p21.31.
Variant type: single nucleotide variant.
Coding change: c.914T>C on transcript NM_002292.4 (MANE Select); coding-DNA position 914, T replaced by C.
Protein change: p.Met305Thr; replaces methionine 305 with threonine.
Molecular consequence: missense variant.
Genome position (GRCh38, 1-based): chr3:49,130,951, A>G on the plus strand (T>C on the coding strand, the complement: LAMB2 is on the minus strand). VCF-style: chr3-49130951-A-G. GRCh37 (hg19) VCF-style: chr3-49168384-A-G.
Other names: short protein forms M305T.
Identifiers: ClinVar variation 593658 (VCV000593658.9), dbSNP rs199794467, ClinGen allele CA2394768.

ClinVar aggregate classification (germline): Uncertain significance. Review status: criteria provided, multiple submitters, no conflicts (2 of 4 stars). 3 submissions from 3 submitters: Uncertain significance (3). Last evaluated 2022-08-19.

Conditions:
Pierson syndrome. Also called: MICROCORIA-CONGENITAL NEPHROTIC SYNDROME. Identifiers: Orphanet 2670, MedGen C1836876, MONDO:0012184, OMIM 609049.
LAMB2-related infantile-onset nephrotic syndrome. Also called: NEPHROTIC SYNDROME, TYPE 5, WITHOUT OCULAR ABNORMALITIES; NEPHROTIC SYNDROME, TYPE 5, WITH OCULAR ABNORMALITIES; Nephrotic Syndrome, type 5. Identifiers: Orphanet 306507, MedGen C3280113, MONDO:0013621, OMIM 614199.

Allele frequency attached by ClinVar (database versions not stated): gnomAD exomes 0.00013 and 0.00014; ExAC 0.00015; ESP Exome Variant Server 0.00015; TOPMed 0.00015; 1000 Genomes Project 30x 0.00016; gnomAD 0.00019; 1000 Genomes Project 0.00020.
gnomAD v4.1: 214 of 1,614,092 alleles (0.013%); highest among the groups gnomAD compares: African/African-American, 0.021%; no homozygotes.

Submissions (3):

Labcorp Genetics (formerly Invitae), Labcorp
Classification: Uncertain significance for LAMB2-related infantile-onset nephrotic syndrome; Pierson syndrome. Last evaluated: 2022-08-19. Review status: criteria provided, single submitter. Criteria: Invitae Variant Classification Sherloc (09022015). Collection method: clinical testing. Allele origin: germline.
Comment: This sequence change replaces methionine, which is neutral and non-polar, with threonine, which is neutral and polar, at codon 305 of the LAMB2 protein (p.Met305Thr). This variant is present in population databases (rs199794467, gnomAD 0.04%). This variant has not been reported in the literature in individuals affected with LAMB2-related conditions. ClinVar contains an entry for this variant (Variation ID: 593658). Algorithms developed to predict the effect of missense changes on protein structure and function (SIFT, PolyPhen-2, Align-GVGD) all suggest that this variant is likely to be disruptive. In summary, the available evidence is currently insufficient to determine the role of this variant in disease. Therefore, it has been classified as a Variant of Uncertain Significance.

Fulgent Genetics
Classification: Uncertain significance for Pierson syndrome; LAMB2-related infantile-onset nephrotic syndrome. Last evaluated: 2022-03-31. Review status: criteria provided, single submitter. Criteria: ACMG Guidelines, 2015. Collection method: clinical testing. Allele origin: unknown.

Eurofins Ntd Llc (ga)
Classification: Uncertain significance. Last evaluated: 2017-08-25. Review status: criteria provided, single submitter. Criteria: EGL Classification Definitions 2015. Collection method: clinical testing. Allele origin: germline. Observed: 1 variant allele, 1 heterozygote.